The following is an entry in ClinVar:

ClinVar aggregate classification (germline): Pathogenic. Review status: criteria provided, multiple submitters, no conflicts (2 of 4 stars). 2 submissions from 2 submitters: Pathogenic (2). Last evaluated 2026-02-23.

Conditions:
Hereditary cancer-predisposing syndrome. Also called: Hereditary Cancer Syndrome; Neoplastic Syndromes, Hereditary; Tumor predisposition; Hereditary neoplastic syndrome. Identifiers: Orphanet 140162, MedGen C0027672, MeSH D009386, MONDO:0015356.
Hereditary breast ovarian cancer syndrome. Also called: Breast and ovarian cancer; Hereditary breast and ovarian cancer; Hereditary breast and ovarian cancer syndrome (HBOC); BRCA1- and BRCA2-Associated Hereditary Breast and Ovarian Cancer; Hereditary breast and ovarian cancer syndrome; Hereditary breast and/or ovarian cancer syndrome. Identifiers: Orphanet 145, MedGen C0677776, MeSH D061325, MONDO:0003582. Disease mechanism: loss of function.

Submissions (2):

Ambry Genetics
Classification: Pathogenic for Hereditary cancer-predisposing syndrome. Last evaluated: 2026-02-23. Review status: criteria provided, single submitter. Criteria: Ambry Variant Classification Scheme 2023. Collection method: clinical testing. Allele origin: germline.
Comment: The p.G2813* pathogenic mutation (also known as c.8437G>T), located in coding exon 18 of the BRCA2 gene, results from a G to T substitution at nucleotide position 8437. This changes the amino acid from a glycine to a stop codon within coding exon 18. This variant is considered to be rare based on population cohorts in the Genome Aggregation Database (gnomAD). Two saturation genome editing-based studies, including a haploid cell-survival assay and a humanized mouse embryonic stem cell line assay of drug response and survival, demonstrate that this nucleotide substitution is non-functional (Huang H et al. Nature. 2025 Feb;638(8050):528-537; Sahu S et al. Nature. 2025 Feb;638(8050):538-545). This alteration is expected to result in loss of function by premature protein truncation or nonsense-mediated mRNA decay. As such, this alteration is interpreted as a disease-causing mutation.

Labcorp Genetics (formerly Invitae), Labcorp
Classification: Pathogenic for Hereditary breast ovarian cancer syndrome. Last evaluated: 2023-09-03. Review status: criteria provided, single submitter. Criteria: Invitae Variant Classification Sherloc (09022015). Collection method: clinical testing. Allele origin: germline.
Comment: This sequence change creates a premature translational stop signal (p.Gly2813*) in the BRCA2 gene. It is expected to result in an absent or disrupted protein product. Loss-of-function variants in BRCA2 are known to be pathogenic (PMID: 20104584). This variant is not present in population databases (gnomAD no frequency). This premature translational stop signal has been observed in individual(s) with bilateral breast cancer (PMID: 30014164). ClinVar contains an entry for this variant (Variation ID: 1070329). For these reasons, this variant has been classified as Pathogenic.

Literature cited by the submitters: PubMed 20104584 (cited by Labcorp Genetics (formerly Invitae), Labcorp); PubMed 30014164 (cited by Labcorp Genetics (formerly Invitae), Labcorp).

NM_000059.4(BRCA2):c.8437G>T (p.Gly2813Ter)

Gene: BRCA2 (BRCA2 DNA repair associated; plus strand). Cytogenetic location: 13q13.1.
Variant type: single nucleotide variant.
Coding change: c.8437G>T on transcript NM_000059.4 (MANE Select); coding-DNA position 8437, G replaced by T.
Protein change: p.Gly2813Ter; replaces glycine 2813 with a stop codon.
Molecular consequence: nonsense.
Genome position (GRCh38, 1-based): chr13:32,370,507, G>T. VCF-style: chr13-32370507-G-T. GRCh37 (hg19) VCF-style: chr13-32944644-G-T.
Other names: c.8437G>T (NM_000059.3); short protein forms G2813*.
Identifiers: ClinVar variation 1070329 (VCV001070329.50), dbSNP rs2137597605, ClinGen allele CA387752558.